The following is an entry in ClinVar:

ClinVar aggregate classification (germline): Conflicting classifications of pathogenicity. Review status: criteria provided, conflicting classifications (1 of 4 stars). 2 submissions from 2 submitters: Uncertain significance (1); Benign (1). Last evaluated 2025-10-29.

Conditions:
Hereditary cancer-predisposing syndrome. Also called: Tumor predisposition; Hereditary neoplastic syndrome; Hereditary Cancer Syndrome; Neoplastic Syndromes, Hereditary. Identifiers: Orphanet 140162, MedGen C0027672, MeSH D009386, MONDO:0015356.
Familial adenomatous polyposis 2. Also called: COLORECTAL ADENOMATOUS POLYPOSIS, AUTOSOMAL RECESSIVE; ADENOMAS, MULTIPLE COLORECTAL, AUTOSOMAL RECESSIVE; MUTYH-related attenuated familial adenomatous polyposis; MUTYH-associated polyposis; MYH-associated polyposis; MUTYH Polyposis. Identifiers: Orphanet 220460, Orphanet 247798, MedGen C3272841, MONDO:0012041, OMIM 608456.

Submissions (2):

Ambry Genetics
Classification: Benign for Hereditary cancer-predisposing syndrome. Last evaluated: 2025-10-29. Review status: criteria provided, single submitter. Criteria: Ambry Variant Classification Scheme 2023. Collection method: clinical testing. Allele origin: germline.

Labcorp Genetics (formerly Invitae), Labcorp
Classification: Uncertain significance for Familial adenomatous polyposis 2. Last evaluated: 2024-04-03. Review status: criteria provided, single submitter. Criteria: Invitae Variant Classification Sherloc (09022015). Collection method: clinical testing. Allele origin: germline.
Comment: This sequence change replaces proline, which is neutral and non-polar, with leucine, which is neutral and non-polar, at codon 345 of the MUTYH protein (p.Pro345Leu). This variant is not present in population databases (gnomAD no frequency). This missense change has been observed in individual(s) with MUTYH-related conditions (PMID: 17949294). An algorithm developed to predict the effect of missense changes on protein structure and function (PolyPhen-2) suggests that this variant is likely to be tolerated. In summary, the available evidence is currently insufficient to determine the role of this variant in disease. Therefore, it has been classified as a Variant of Uncertain Significance.

Literature cited by the submitters: PubMed 17949294 (cited by Labcorp Genetics (formerly Invitae), Labcorp).

NM_001048174.2(MUTYH):c.950C>T (p.Pro317Leu)

Gene: MUTYH (mutY DNA glycosylase; minus strand). Cytogenetic location: 1p34.1.
Variant type: single nucleotide variant.
Coding change: c.950C>T on transcript NM_001048174.2 (MANE Select); coding-DNA position 950, C replaced by T.
Protein change: p.Pro317Leu; replaces proline 317 with leucine.
Molecular consequence: missense variant. On other transcripts: non-coding transcript variant (7).
Genome position (GRCh38, 1-based): chr1:45,331,813, G>A on the plus strand (C>T on the coding strand, the complement: MUTYH is on the minus strand). VCF-style: chr1-45331813-G-A. GRCh37 (hg19) VCF-style: chr1-45797485-G-A.
Other names: c.950C>T, p.Pro317Leu (NM_001048171.2, NM_001048173.2, NM_001293195.2 and 6 more transcripts); c.953C>T, p.Pro318Leu (NM_001048172.2, NM_001407071.1, NM_001407078.1 and 1 more transcripts); c.1034C>T, p.Pro345Leu (NM_001128425.2); c.995C>T, p.Pro332Leu (NM_001293190.2); c.983C>T, p.Pro328Leu (NM_001293191.2, NM_001407069.1, NM_001407077.1); c.674C>T, p.Pro225Leu (NM_001293192.2, NM_001293196.2, NM_001407091.1); c.605C>T, p.Pro202Leu (NM_001350650.2, NM_001350651.2, NM_001407082.1); c.866C>T, p.Pro289Leu (NM_001407075.1); and 5 more; short protein forms P303L, P318L, P225L, P328L, P332L, P345L, P304L, P331L.
Identifiers: ClinVar variation 2867836 (VCV002867836.4), dbSNP rs2149129071, ClinGen allele CA340133814.